The following is an entry in ClinVar:

NM_012062.5(DNM1L):c.1607T>C (p.Val536Ala)

Gene: DNM1L (dynamin 1 like; plus strand). Cytogenetic location: 12p11.21.
Variant type: single nucleotide variant.
Coding change: c.1607T>C on transcript NM_012062.5 (MANE Select); coding-DNA position 1607, T replaced by C.
Protein change: p.Val536Ala; replaces valine 536 with alanine.
Molecular consequence: missense variant. On other transcripts: intron variant (3).
Genome position (GRCh38, 1-based): chr12:32,737,875, T>C. VCF-style: chr12-32737875-T-C. GRCh37 (hg19) VCF-style: chr12-32890809-T-C.
Other names: c.1607T>C, p.Val536Ala (NM_001278463.2); c.1646T>C, p.Val549Ala (NM_001278464.2, NM_001278465.2); c.998T>C, p.Val333Ala (NM_001278466.2); c.1635+714T>C (NM_001330380.2); c.1597-389T>C (NM_012063.4); c.1596+714T>C (NM_005690.5); short protein forms V549A, V333A, V536A.
Identifiers: ClinVar variation 1435784 (VCV001435784.6), dbSNP rs1272468730, ClinGen allele CA384361283.

ClinVar aggregate classification (germline): Uncertain significance (1 of 4 stars; one submission).

Allele frequency attached by ClinVar (database versions not stated): gnomAD 0.00001.

Submission:

Labcorp Genetics (formerly Invitae), Labcorp
Classification: Uncertain significance. Last evaluated: 2021-08-15. Review status: criteria provided, single submitter. Criteria: Invitae Variant Classification Sherloc (09022015). Collection method: clinical testing. Allele origin: germline.
Comment: Algorithms developed to predict the effect of missense changes on protein structure and function output the following: SIFT: "Tolerated"; PolyPhen-2: "Benign"; Align-GVGD: "Class C0". The alanine amino acid residue is found in multiple mammalian species, which suggests that this missense change does not adversely affect protein function. In summary, the available evidence is currently insufficient to determine the role of this variant in disease. Therefore, it has been classified as a Variant of Uncertain Significance. This variant has not been reported in the literature in individuals affected with DNM1L-related conditions. This variant is not present in population databases (ExAC no frequency). This sequence change replaces valine with alanine at codon 536 of the DNM1L protein (p.Val536Ala). The valine residue is moderately conserved and there is a small physicochemical difference between valine and alanine.